The following is an entry in ClinVar:

NM_000829.4(GRIA4):c.2591del (p.Thr864fs)

Gene: GRIA4 (glutamate ionotropic receptor AMPA type subunit 4; plus strand). Cytogenetic location: 11q22.3.
Variant type: Deletion.
Coding change: c.2591del on transcript NM_000829.4 (MANE Select); coding-DNA position 2591, one base deleted (C; older notation c.2591delC).
Protein change: p.Thr864fs; shifts the reading frame from threonine 864.
Molecular consequence: frameshift variant. On other transcripts: 3 prime UTR variant (1), non-coding transcript variant (1).
Genome position (GRCh38, 1-based): chr11:105,979,621, C deleted. VCF-style (leftmost placement, unchanged base first): chr11-105979620-AC-A. GRCh37 (hg19) VCF-style: chr11-105850347-AC-A.
Other names: c.*49del (NM_001077243.3); short protein forms T864fs.
Identifiers: ClinVar variation 4055920 (VCV004055920.1).

ClinVar aggregate classification (germline): Uncertain significance (1 of 4 stars; one submission).

Submission:

GeneDx
Classification: Uncertain significance. Last evaluated: 2025-01-03. Review status: criteria provided, single submitter. Criteria: GeneDx Variant Classification Process June 2021. Collection method: clinical testing. Allele origin: germline. Affected: yes.
Comment: Not observed at significant frequency in large population cohorts (gnomAD); Has not been previously published as pathogenic or benign to our knowledge; Frameshift variant predicted to result in abnormal protein length as the last 39 amino acid(s) are replaced with 10 different amino acid(s) with an unclear effect on protein function